The following is an entry in ClinVar:

NM_001846.4(COL4A2):c.92T>C (p.Val31Ala)

Gene: COL4A2 (collagen type IV alpha 2 chain; plus strand). Cytogenetic location: 13q34.
Variant type: single nucleotide variant.
Coding change: c.92T>C on transcript NM_001846.4 (MANE Select); coding-DNA position 92, T replaced by C.
Protein change: p.Val31Ala; replaces valine 31 with alanine.
Molecular consequence: missense variant.
Genome position (GRCh38, 1-based): chr13:110,308,116, T>C. VCF-style: chr13-110308116-T-C. GRCh37 (hg19) VCF-style: chr13-110960463-T-C.
Other names: c.92T>C (NM_001846.2); short protein forms V31A.
Identifiers: ClinVar variation 2141168 (VCV002141168.5), dbSNP rs760739260, ClinGen allele CA7048764.
Genomic context (GRCh38, chr13:110,308,116, plus strand): 5'-CTTTCCCATGCAGGTGGCTGCTGCTGGGGACAGTGACCGTGGGGTTCCTCGCCCAGAGCG[T>C]CTTGGCGGTAAGTCCTGGCTCCCGCGCTTGGACTTGCGCGCCCGAGAGTGGTTGGGACGT-3'
Protein context (NP_001837.2, residues 21-41): TVTVGFLAQS[Val31Ala]LAGVKKFDVP

ClinVar aggregate classification (germline): Uncertain significance. Review status: criteria provided, multiple submitters, no conflicts (2 of 4 stars). 2 submissions from 2 submitters: Uncertain significance (2). Last evaluated 2025-12-12.

Conditions:
Inborn genetic diseases. Identifiers: MedGen C0950123, MeSH D030342.

Allele frequency attached by ClinVar (database versions not stated): gnomAD exomes 0.00001; ExAC 0.00002; gnomAD 0.00002; TOPMed 0.00002.
gnomAD v4.1: 24 of 1,613,616 alleles (0.0015%); highest among the groups gnomAD compares: Non-Finnish European, 0.0019%; no homozygotes.

Submissions (2):

Labcorp Genetics (formerly Invitae), Labcorp
Classification: Uncertain significance. Last evaluated: 2025-12-12. Review status: criteria provided, single submitter. Criteria: Invitae Variant Classification Sherloc (09022015). Collection method: clinical testing. Allele origin: germline.
Comment: This sequence change replaces valine, which is neutral and non-polar, with alanine, which is neutral and non-polar, at codon 31 of the COL4A2 protein (p.Val31Ala). This variant is present in population databases (rs760739260, gnomAD 0.005%). This variant has not been reported in the literature in individuals affected with COL4A2-related conditions. ClinVar contains an entry for this variant (Variation ID: 2141168). Invitae Evidence Modeling of protein sequence and biophysical properties (such as structural, functional, and spatial information, amino acid conservation, physicochemical variation, residue mobility, and thermodynamic stability) indicates that this missense variant is not expected to disrupt COL4A2 protein function with a negative predictive value of 95%. In summary, the available evidence is currently insufficient to determine the role of this variant in disease. Therefore, it has been classified as a Variant of Uncertain Significance.

Ambry Genetics
Classification: Uncertain significance for Inborn genetic diseases. Last evaluated: 2025-08-25. Review status: criteria provided, single submitter. Criteria: Ambry Variant Classification Scheme 2023. Collection method: clinical testing. Allele origin: germline.